The following is an entry in ClinVar:

NM_020376.4(PNPLA2):c.918G>A (p.Glu306=)

Gene: PNPLA2 (patatin like domain 2, triacylglycerol lipase; plus strand). Cytogenetic location: 11p15.5.
Variant type: single nucleotide variant.
Coding change: c.918G>A on transcript NM_020376.4 (MANE Select); coding-DNA position 918, G replaced by A.
Protein change: p.Glu306=; no amino-acid change (glutamic acid 306 retained).
Molecular consequence: synonymous variant.
Genome position (GRCh38, 1-based): chr11:823,854, G>A. VCF-style: chr11-823854-G-A. GRCh37 (hg19) VCF-style: chr11-823854-G-A.
Identifiers: ClinVar variation 707335 (VCV000707335.37), dbSNP rs201065998, ClinGen allele CA5791223.

ClinVar aggregate classification (germline): Likely benign. Review status: criteria provided, multiple submitters, no conflicts (2 of 4 stars). 4 submissions from 4 submitters: Likely benign (3). 1 of the submissions does not count toward it. Last evaluated 2026-01-06.

Conditions:
Neutral lipid storage myopathy (NLSDM). Also called: NEUTRAL LIPID STORAGE DISEASE WITHOUT ICHTHYOSIS. Identifiers: Orphanet 98908, MedGen C1853136, MONDO:0012545, OMIM 610717.
PNPLA2-related disorder. Also called: PNPLA2-related condition.

Allele frequency attached by ClinVar (database versions not stated): ExAC 0.00041; ESP Exome Variant Server 0.00078; TOPMed 0.00110; 1000 Genomes Project 0.00180; 1000 Genomes Project 30x 0.00203.
gnomAD v4.1: 287 of 1,584,460 alleles (0.018%); highest among the groups gnomAD compares: African/African-American, 0.35%; 1 homozygote.

Submissions (4):

Labcorp Genetics (formerly Invitae), Labcorp
Classification: Likely benign for Neutral lipid storage myopathy. Last evaluated: 2026-01-06. Review status: criteria provided, single submitter. Criteria: Invitae Variant Classification Sherloc (09022015). Collection method: clinical testing. Allele origin: germline.

CeGaT Center for Human Genetics Tuebingen
Classification: Likely benign. Last evaluated: 2023-12-01. Review status: criteria provided, single submitter. Criteria: CeGaT Center For Human Genetics Tuebingen Variant Classification Criteria Version 2. Collection method: clinical testing. Allele origin: germline. Affected: yes. Observed: 1 variant allele.
Comment: PNPLA2: BP4, BP7

Illumina Laboratory Services, Illumina
Classification: Likely benign for Neutral lipid storage myopathy. Last evaluated: 2018-01-13. Review status: criteria provided, single submitter. Criteria: ICSL Variant Classification Criteria 13 December 2019. Collection method: clinical testing. Allele origin: germline.
Comment: This variant was observed in the ICSL laboratory as part of a predisposition screen in an ostensibly healthy population. It had not been previously curated by ICSL or reported in the Human Gene Mutation Database (HGMD: prior to June 1st, 2018), and was therefore a candidate for classification through an automated scoring system. Utilizing variant allele frequency, disease prevalence and penetrance estimates, and inheritance mode, an automated score was calculated to assess if this variant is too frequent to cause the disease. Based on the score and internal cut-off values, a variant classified as likely benign is not then subjected to further curation. The score for this variant resulted in a classification of likely benign for this disease.

PreventionGenetics, part of Exact Sciences
Classification: Likely benign for PNPLA2-related condition. Last evaluated: 2020-11-03. Review status: no assertion criteria provided. Collection method: clinical testing. Allele origin: germline. Not counted in ClinVar's aggregate classification.
Comment: This variant is classified as likely benign based on ACMG/AMP sequence variant interpretation guidelines (Richards et al. 2015 PMID: 25741868, with internal and published modifications).